The following is an entry in ClinVar:

NM_006767.4(LZTR1):c.2022C>T (p.Asp674=)

Gene: LZTR1 (leucine zipper like post translational regulator 1; plus strand). Cytogenetic location: 22q11.21.
Variant type: single nucleotide variant.
Coding change: c.2022C>T on transcript NM_006767.4 (MANE Select); coding-DNA position 2022, C replaced by T.
Protein change: p.Asp674=; no amino-acid change (aspartic acid 674 retained).
Molecular consequence: synonymous variant.
Genome position (GRCh38, 1-based): chr22:20,995,825, C>T. VCF-style: chr22-20995825-C-T. GRCh37 (hg19) VCF-style: chr22-21350114-C-T.
Identifiers: ClinVar variation 561796 (VCV000561796.29), dbSNP rs145303406, ClinGen allele CA10119200.
Genomic context (GRCh38, chr22:20,995,825, plus strand): 5'-CATGAAGGCATACCTGGAGGGAGCGGGCGCGGAATTCTGTGACATCACTCTGTTGCTTGA[C>T]GGGCACCCACGGCCAGCCCACAAGGCTATCCTGGCCGCCCGCTCCAGGTGGGTGGGGGCT-3'
Protein context (NP_006758.2, residues 664-684): AEFCDITLLL[Asp674=]GHPRPAHKAI

ClinVar aggregate classification (germline): Benign/Likely benign. Review status: criteria provided, multiple submitters, no conflicts (2 of 4 stars). 9 submissions from 9 submitters: Benign (5); Likely benign (3). 1 of the submissions does not count toward it. Last evaluated 2026-02-04.

Conditions:
LZTR1-related disorder. Also called: LZTR1-related disorders; LZTR1-related condition.
Hereditary cancer-predisposing syndrome. Also called: Tumor predisposition; Hereditary Cancer Syndrome; Hereditary neoplastic syndrome; Neoplastic Syndromes, Hereditary. Identifiers: Orphanet 140162, MedGen C0027672, MeSH D009386, MONDO:0015356.
Cardiovascular phenotype. Identifiers: MedGen CN230736.
LZTR1-related schwannomatosis. Also called: Schwannomatosis-2, susceptibility to; Schwannomatosis 2. Identifiers: Orphanet 93921, MedGen C3810283, MONDO:0014299, OMIM 615670.
Noonan syndrome 10 (NS10). Identifiers: Orphanet 648, MedGen C4225280, MONDO:0014693, OMIM 616564.
Noonan syndrome 2 (NS2). Identifiers: Orphanet 648, MedGen C1854469, MONDO:0011531, OMIM 605275.
Noonan syndrome and Noonan-related syndrome. Identifiers: Orphanet 98733, MedGen C5681679, MONDO:0020297.

Allele frequency attached by ClinVar (database versions not stated): gnomAD exomes 0.00016 and 0.00088; ESP Exome Variant Server 0.00031; gnomAD 0.00044 and 0.00046; TOPMed 0.00047; ExAC 0.00078; 1000 Genomes Project 0.00080; 1000 Genomes Project 30x 0.00094.
gnomAD v4.1: 345 of 1,613,312 alleles (0.021%); highest among the groups gnomAD compares: East Asian, 0.4%; 1 homozygote.

Submissions (9):

Labcorp Genetics (formerly Invitae), Labcorp
Classification: Benign. Last evaluated: 2026-02-04. Review status: criteria provided, single submitter. Criteria: Invitae Variant Classification Sherloc (09022015). Collection method: clinical testing. Allele origin: germline.

CeGaT Center for Human Genetics Tuebingen
Classification: Likely benign. Last evaluated: 2025-11-01. Review status: criteria provided, single submitter. Criteria: CeGaT Center For Human Genetics Tuebingen Variant Classification Criteria Version 2. Collection method: clinical testing. Allele origin: germline. Affected: yes. Observed: 3 variant alleles.
Comment: LZTR1: BP4, BP7

Blueprint Genetics
Classification: Likely benign. Last evaluated: 2024-10-08. Review status: criteria provided, single submitter. Criteria: ACMG Guidelines, 2015. Collection method: clinical testing. Allele origin: germline.

Department of Pathology and Laboratory Medicine, Sinai Health System
Classification: Benign for Noonan syndrome 2; LZTR1-related schwannomatosis; Noonan syndrome 10. Last evaluated: 2023-04-27. Review status: criteria provided, single submitter. Criteria: ACMG Guidelines, 2015. Collection method: clinical testing. Allele origin: germline. Affected: yes.

Genome Diagnostics Laboratory, The Hospital for Sick Children
Classification: Benign for Noonan syndrome and Noonan-related syndrome. Last evaluated: 2020-09-23. Review status: criteria provided, single submitter. Criteria: ACMG Guidelines, 2015. Collection method: clinical testing. Allele origin: germline.

Ambry Genetics
Classification: Benign for Cardiovascular phenotype; Hereditary cancer-predisposing syndrome. Last evaluated: 2020-08-27. Review status: criteria provided, single submitter. Criteria: Ambry Variant Classification Scheme 2023. Collection method: clinical testing. Allele origin: germline.

Women's Health and Genetics/Laboratory Corporation of America, LabCorp
Classification: Benign. Last evaluated: 2020-07-12. Review status: criteria provided, single submitter. Criteria: LabCorp Variant Classification Summary - May 2015. Collection method: clinical testing. Allele origin: germline.

GeneDx
Classification: Likely benign. Last evaluated: 2018-04-23. Review status: criteria provided, single submitter. Criteria: GeneDx Variant Classification (06012015). Collection method: clinical testing. Allele origin: germline. Affected: yes.
Comment: This variant is considered likely benign or benign based on one or more of the following criteria: it is a conservative change, it occurs at a poorly conserved position in the protein, it is predicted to be benign by multiple in silico algorithms, and/or has population frequency not consistent with disease.

PreventionGenetics, part of Exact Sciences
Classification: Likely benign for LZTR1-related condition. Last evaluated: 2021-12-31. Review status: no assertion criteria provided. Collection method: clinical testing. Allele origin: germline. Not counted in ClinVar's aggregate classification.
Comment: This variant is classified as likely benign based on ACMG/AMP sequence variant interpretation guidelines (Richards et al. 2015 PMID: 25741868, with internal and published modifications).